The following is an entry in ClinVar:

ClinVar aggregate classification (germline): Uncertain significance (1 of 4 stars; one submission).

Conditions:
Mowat-Wilson syndrome (MOWS). Also called: Classic Mowat-Wilson Syndrome. Identifiers: Orphanet 2152, MedGen C1856113, MONDO:0009341, OMIM 235730.

Submission:

Labcorp Genetics (formerly Invitae), Labcorp
Classification: Uncertain significance for Mowat-Wilson syndrome. Last evaluated: 2022-07-14. Review status: criteria provided, single submitter. Criteria: Invitae Variant Classification Sherloc (09022015). Collection method: clinical testing. Allele origin: germline.
Comment: This sequence change replaces arginine, which is basic and polar, with lysine, which is basic and polar, at codon 704 of the ZEB2 protein (p.Arg704Lys). Algorithms developed to predict the effect of missense changes on protein structure and function are either unavailable or do not agree on the potential impact of this missense change (SIFT: "Deleterious"; PolyPhen-2: "Benign"; Align-GVGD: "Class C0"). This variant has not been reported in the literature in individuals affected with ZEB2-related conditions. This variant is not present in population databases (gnomAD no frequency). In summary, the available evidence is currently insufficient to determine the role of this variant in disease. Therefore, it has been classified as a Variant of Uncertain Significance.

NM_014795.4(ZEB2):c.2111G>A (p.Arg704Lys)

Gene: ZEB2 (zinc finger E-box binding homeobox 2; minus strand). Cytogenetic location: 2q22.3.
Variant type: single nucleotide variant.
Coding change: c.2111G>A on transcript NM_014795.4 (MANE Select); coding-DNA position 2111, G replaced by A.
Protein change: p.Arg704Lys; replaces arginine 704 with lysine.
Molecular consequence: missense variant.
Genome position (GRCh38, 1-based): chr2:144,399,076, C>T on the plus strand (G>A on the coding strand, the complement: ZEB2 is on the minus strand). VCF-style: chr2-144399076-C-T. GRCh37 (hg19) VCF-style: chr2-145156643-C-T.
Other names: c.2039G>A, p.Arg680Lys (NM_001171653.2); short protein forms R704K, R680K.
Identifiers: ClinVar variation 2017056 (VCV002017056.4), dbSNP rs2549106182, ClinGen allele CA348709007.
Genomic context (GRCh38, chr2:144,399,076, plus strand): 5'-TTTGTGGGAGGGTTACTGTTGGGAGCTAACGGCTTGGAGCTTCTTTCCAGGGATGGGGAC[C>T]TGGAATTTGAGTACTGGTAGACTTTTCGTTGTTCAAACCATTCCTTCACAAATTCCTGAG-3'
Protein context (NP_055610.1, residues 694-714): QRKVYQYSNS[Arg704Lys]SPSLERSSKP